The following is an entry in ClinVar:

ClinVar aggregate classification (germline): Uncertain significance (1 of 4 stars; one submission).

Submission:

Labcorp Genetics (formerly Invitae), Labcorp
Classification: Uncertain significance. Last evaluated: 2022-07-23. Review status: criteria provided, single submitter. Criteria: Invitae Variant Classification Sherloc (09022015). Collection method: clinical testing. Allele origin: germline.
Comment: In summary, the available evidence is currently insufficient to determine the role of this variant in disease. Therefore, it has been classified as a Variant of Uncertain Significance. Algorithms developed to predict the effect of missense changes on protein structure and function output the following: SIFT: "Tolerated"; PolyPhen-2: "Benign"; Align-GVGD: "Class C0". The serine amino acid residue is found in multiple mammalian species, which suggests that this missense change does not adversely affect protein function. This variant has not been reported in the literature in individuals affected with TCIRG1-related conditions. This variant is not present in population databases (gnomAD no frequency). This sequence change replaces threonine, which is neutral and polar, with serine, which is neutral and polar, at codon 816 of the TCIRG1 protein (p.Thr816Ser).

NM_006019.4(TCIRG1):c.2446A>T (p.Thr816Ser)

Gene: TCIRG1 (T cell immune regulator 1, ATPase H+ transporting V0 subunit a3; plus strand). Cytogenetic location: 11q13.2.
Variant type: single nucleotide variant.
Coding change: c.2446A>T on transcript NM_006019.4 (MANE Select); coding-DNA position 2446, A replaced by T.
Protein change: p.Thr816Ser; replaces threonine 816 with serine.
Molecular consequence: missense variant.
Genome position (GRCh38, 1-based): chr11:68,050,772, A>T. VCF-style: chr11-68050772-A-T. GRCh37 (hg19) VCF-style: chr11-67818239-A-T.
Other names: c.1552A>T, p.Thr518Ser (NM_001351059.2); c.1798A>T, p.Thr600Ser (NM_006053.4); short protein forms T518S, T600S, T816S.
Identifiers: ClinVar variation 1713408 (VCV001713408.5), dbSNP rs2495673385, ClinGen allele CA381592838.